The following is an entry in ClinVar:

ClinVar aggregate classification (germline): Uncertain significance. Review status: criteria provided, multiple submitters, no conflicts (2 of 4 stars). 5 submissions from 5 submitters: Uncertain significance (5). Last evaluated 2025-02-07.

Conditions:
Inborn genetic diseases. Identifiers: MedGen C0950123, MeSH D030342.
Arterial calcification, generalized, of infancy, 2. Identifiers: Orphanet 51608, MedGen C3276161, MONDO:0013768, OMIM 614473.
Autosomal recessive inherited pseudoxanthoma elasticum (PXE). Identifiers: Orphanet 758, MedGen CN032334, MONDO:0009925, OMIM 264800.
Pseudoxanthoma elasticum, forme fruste. Also called: Pseudoxanthoma Elasticum, Incomplete; PSEUDOXANTHOMA ELASTICUM, HETEROZYGOUS. Identifiers: Orphanet 758, MedGen C1867450, MONDO:0008333, OMIM 177850.

Allele frequency attached by ClinVar (database versions not stated): ExAC 0.00001; gnomAD exomes 0.00002 and 0.00004; TOPMed 0.00003; gnomAD 0.00004 and 0.00005; ESP Exome Variant Server 0.00015.
gnomAD v4.1: 58 of 1,613,612 alleles (0.0036%); highest among the groups gnomAD compares: African/African-American, 0.0093%; 1 homozygote.

Submissions (5):

Ambry Genetics
Classification: Uncertain significance for Inborn genetic diseases. Last evaluated: 2025-02-07. Review status: criteria provided, single submitter. Criteria: Ambry Variant Classification Scheme 2023. Collection method: clinical testing. Allele origin: germline.

Blueprint Genetics
Classification: Uncertain significance. Last evaluated: 2024-07-15. Review status: criteria provided, single submitter. Criteria: ACMG Guidelines, 2015. Collection method: clinical testing. Allele origin: germline.

GeneDx
Classification: Uncertain significance. Last evaluated: 2024-01-07. Review status: criteria provided, single submitter. Criteria: GeneDx Variant Classification Process June 2021. Collection method: clinical testing. Allele origin: germline. Affected: yes.
Comment: In silico analysis supports that this missense variant does not alter protein structure/function; Has not been previously published as pathogenic or benign to our knowledge

Labcorp Genetics (formerly Invitae), Labcorp
Classification: Uncertain significance. Last evaluated: 2022-07-15. Review status: criteria provided, single submitter. Criteria: Invitae Variant Classification Sherloc (09022015). Collection method: clinical testing. Allele origin: germline.
Comment: This sequence change replaces threonine, which is neutral and polar, with methionine, which is neutral and non-polar, at codon 1377 of the ABCC6 protein (p.Thr1377Met). This variant is present in population databases (rs371122482, gnomAD 0.009%). This variant has not been reported in the literature in individuals affected with ABCC6-related conditions. ClinVar contains an entry for this variant (Variation ID: 1507000). Advanced modeling of protein sequence and biophysical properties (such as structural, functional, and spatial information, amino acid conservation, physicochemical variation, residue mobility, and thermodynamic stability) performed at Invitae indicates that this missense variant is not expected to disrupt ABCC6 protein function. In summary, the available evidence is currently insufficient to determine the role of this variant in disease. Therefore, it has been classified as a Variant of Uncertain Significance.

Fulgent Genetics
Classification: Uncertain significance for Pseudoxanthoma elasticum, forme fruste; Autosomal recessive inherited pseudoxanthoma elasticum; Arterial calcification, generalized, of infancy, 2. Last evaluated: 2022-01-07. Review status: criteria provided, single submitter. Criteria: ACMG Guidelines, 2015. Collection method: clinical testing. Allele origin: unknown.

NM_001171.6(ABCC6):c.4130C>T (p.Thr1377Met)

Gene: ABCC6 (ATP binding cassette subfamily C member 6; minus strand). Cytogenetic location: 16p13.11.
Variant type: single nucleotide variant.
Coding change: c.4130C>T on transcript NM_001171.6 (MANE Select); coding-DNA position 4130, C replaced by T.
Protein change: p.Thr1377Met; replaces threonine 1377 with methionine.
Molecular consequence: missense variant. On other transcripts: non-coding transcript variant (1).
Genome position (GRCh38, 1-based): chr16:16,154,706, G>A on the plus strand (C>T on the coding strand, the complement: ABCC6 is on the minus strand). VCF-style: chr16-16154706-G-A. GRCh37 (hg19) VCF-style: chr16-16248563-G-A.
Other names: c.3788C>T, p.Thr1263Met (NM_001351800.1); c.4130C>T (NM_001171.5); short protein forms T1377M, T1263M.
Identifiers: ClinVar variation 1507000 (VCV001507000.9), dbSNP rs371122482, ClinGen allele CA7925306.